The following is an entry in ClinVar:

ClinVar aggregate classification (germline): Uncertain significance (1 of 4 stars; one submission).

Conditions:
Congenital muscular hypertrophy-cerebral syndrome (CDLS2). Also called: SMC1A-Related Cornelia de Lange Syndrome; Cornelia de Lange syndrome 2. Identifiers: Orphanet 199, MedGen C1802395, MONDO:0010370, OMIM 300590.

Submission:

Labcorp Genetics (formerly Invitae), Labcorp
Classification: Uncertain significance for Congenital muscular hypertrophy-cerebral syndrome. Last evaluated: 2023-05-16. Review status: criteria provided, single submitter. Criteria: Invitae Variant Classification Sherloc (09022015). Collection method: clinical testing. Allele origin: germline.
Comment: In summary, the available evidence is currently insufficient to determine the role of this variant in disease. Therefore, it has been classified as a Variant of Uncertain Significance. An algorithm developed to predict the effect of missense changes on protein structure and function (PolyPhen-2) suggests that this variant is likely to be disruptive. This variant has not been reported in the literature in individuals affected with SMC1A-related conditions. This variant is not present in population databases (gnomAD no frequency). This sequence change replaces serine, which is neutral and polar, with arginine, which is basic and polar, at codon 1146 of the SMC1A protein (p.Ser1146Arg).

NM_006306.4(SMC1A):c.3436A>C (p.Ser1146Arg)

Gene: SMC1A (structural maintenance of chromosomes 1A; minus strand). Cytogenetic location: Xp11.22.
Variant type: single nucleotide variant.
Coding change: c.3436A>C on transcript NM_006306.4 (MANE Select); coding-DNA position 3436, A replaced by C.
Protein change: p.Ser1146Arg; replaces serine 1146 with arginine.
Molecular consequence: missense variant.
Genome position (GRCh38, 1-based): chrX:53,382,233, T>G on the plus strand (A>C on the coding strand, the complement: SMC1A is on the minus strand). VCF-style: chrX-53382233-T-G. GRCh37 (hg19) VCF-style: chrX-53409154-T-G.
Other names: c.3370A>C, p.Ser1124Arg (NM_001281463.1); short protein forms S1124R, S1146R.
Identifiers: ClinVar variation 2864811 (VCV002864811.3), dbSNP rs2520821973, ClinGen allele CA413243228.
Genomic context (GRCh38, chrX:53,382,233, plus strand): 5'-GAGCCTCTGGTGGCCTCAGTTCAGTCTCTTCGTCAACTGCCCTAGGGGATCAGCCTTACC[T>G]GTGGATGGCAAAGAGCAGGGCCAGAGCTGCCACTGTCTTCTCCCCGCCTGACAAGTTGTC-3'
Protein context (NP_006297.2, residues 1136-1156): AALALLFAIH[Ser1146Arg]YKPAPFFVLD